The following is an entry in ClinVar:

NC_000023.10:g.(?_32827600)_(32867947_?)dup

Gene: DMD (dystrophin; minus strand). Cytogenetic location: Xp21.1.
Variant type: Duplication.
Identifiers: ClinVar variation 664440 (VCV000664440.6).

ClinVar aggregate classification (germline): Pathogenic (1 of 4 stars; one submission).

Conditions:
Duchenne muscular dystrophy (DMD). Also called: MUSCULAR DYSTROPHY, PSEUDOHYPERTROPHIC PROGRESSIVE, DUCHENNE TYPE; Duchenne Muscular Dystrophy (DMD). Identifiers: Orphanet 98896, MedGen C0013264, MONDO:0010679, OMIM 310200.

Submission:

Labcorp Genetics (formerly Invitae), Labcorp
Classification: Pathogenic for Duchenne muscular dystrophy. Last evaluated: 2022-08-23. Review status: criteria provided, single submitter. Criteria: Invitae Variant Classification Sherloc (09022015). Collection method: clinical testing. Allele origin: germline.
Comment: This variant results in a copy number gain of the genomic region encompassing exon(s) 3-7 of the DMD gene. While the exact position of this variant cannot be determined from the data, sub-genic copy number gains are generally in tandem (PMID: 25640679). This variant is predicted to be out-of-frame, and may result in an absent or disrupted protein product. Loss-of-function variants in DMD are known to be pathogenic (PMID: 16770791, 25007885). A similar copy number variant has been observed in individuals with Duchenne muscular dystrophy (PMID: 15655674, 22510846, 27206868). For these reasons, this variant has been classified as Pathogenic.

Literature cited by the submitters: PubMed 25640679; PubMed 16770791; PubMed 25007885; PubMed 15655674; PubMed 22510846; PubMed 27206868.